The following is an entry in ClinVar:

ClinVar aggregate classification (germline): Uncertain significance. Review status: criteria provided, multiple submitters, no conflicts (2 of 4 stars). 2 submissions from 2 submitters: Uncertain significance (2). Last evaluated 2025-06-23.

Conditions:
Hypertrophic cardiomyopathy. Also called: HYPERTROPHIC MYOCARDIOPATHY. Identifiers: Orphanet 217569, MedGen C0007194, MeSH D002312, MONDO:0005045, HP:0001639.
Cardiomyopathy (CMYO). Also called: Cardiomyopathies. Identifiers: Orphanet 167848, MedGen C0878544, MONDO:0004994, HP:0001638. Inheritance: Various modes of inheritance.

gnomAD v4.1: 2 of 1,614,170 alleles (0.00012%); highest among the groups gnomAD compares: East Asian, 0.0022%; no homozygotes.

Submissions (2):

Color Diagnostics, LLC DBA Color Health
Classification: Uncertain significance for Cardiomyopathy. Last evaluated: 2025-06-23. Review status: criteria provided, single submitter. Criteria: ACMG Guidelines, 2015. Collection method: clinical testing. Allele origin: germline.
Comment: This missense variant replaces glutamine with histidine at codon 75 of the MYL3 protein. Computational prediction suggests that this variant may have deleterious impact on protein structure and function. To our knowledge, functional studies have not been reported for this variant. This variant has not been reported in individuals affected with MYL3-related disorders in the literature. This variant has been identified in 1/251474 chromosomes in the general population by the Genome Aggregation Database (gnomAD). The available evidence is insufficient to determine the role of this variant in disease conclusively. Therefore, this variant is classified as a Variant of Uncertain Significance.

Labcorp Genetics (formerly Invitae), Labcorp
Classification: Uncertain significance for Hypertrophic cardiomyopathy. Last evaluated: 2024-06-06. Review status: criteria provided, single submitter. Criteria: Invitae Variant Classification Sherloc (09022015). Collection method: clinical testing. Allele origin: germline.
Comment: This sequence change replaces glutamine, which is neutral and polar, with histidine, which is basic and polar, at codon 75 of the MYL3 protein (p.Gln75His). This variant is present in population databases (no rsID available, gnomAD 0.006%). This variant has not been reported in the literature in individuals affected with MYL3-related conditions. An algorithm developed to predict the effect of missense changes on protein structure and function (PolyPhen-2) suggests that this variant is likely to be disruptive. In summary, the available evidence is currently insufficient to determine the role of this variant in disease. Therefore, it has been classified as a Variant of Uncertain Significance.

NM_000258.3(MYL3):c.225G>T (p.Gln75His)

Gene: MYL3 (myosin light chain 3; minus strand). Cytogenetic location: 3p21.31.
Variant type: single nucleotide variant.
Coding change: c.225G>T on transcript NM_000258.3 (MANE Select); coding-DNA position 225, G replaced by T.
Protein change: p.Gln75His; replaces glutamine 75 with histidine.
Molecular consequence: missense variant.
Genome position (GRCh38, 1-based): chr3:46,860,758, C>A on the plus strand (G>T on the coding strand, the complement: MYL3 is on the minus strand). VCF-style: chr3-46860758-C-A. GRCh37 (hg19) VCF-style: chr3-46902248-C-A.
Other names: c.225G>T, p.Gln75His (NM_001406937.1, NM_001406938.1, NM_001406939.1); c.51G>T, p.Gln17His (NM_001406940.1, NM_001406941.1); short protein forms Q17H, Q75H.
Identifiers: ClinVar variation 3692160 (VCV003692160.3).
Genomic context (GRCh38, chr3:46,860,758, plus strand): 5'-GACACGGAGCACTTCTGCCTGTGTGGGGTTCTGGCCCAGCGCCCGCAGGACATCCCCACA[C>A]TGCCCGTAGGTGATCTTCATCTCACACTTGGGTGTGCGGTCGAACAGCATGAAGGCTTCC-3'
Protein context (NP_000249.1, residues 65-85): PKCEMKITYG[Gln75His]CGDVLRALGQ